The following is an entry in ClinVar:

NM_001366385.1(CARD14):c.893G>A (p.Arg298Gln)

Gene: CARD14 (caspase recruitment domain family member 14; plus strand). Cytogenetic location: 17q25.3.
Variant type: single nucleotide variant.
Coding change: c.893G>A on transcript NM_001366385.1 (MANE Select); coding-DNA position 893, G replaced by A.
Protein change: p.Arg298Gln; replaces arginine 298 with glutamine.
Molecular consequence: missense variant. On other transcripts: non-coding transcript variant (1).
Genome position (GRCh38, 1-based): chr17:80,189,802, G>A. VCF-style: chr17-80189802-G-A. GRCh37 (hg19) VCF-style: chr17-78163601-G-A.
Other names: p.Arg298Gln; c.893G>A, p.Arg298Gln (NM_024110.4, NM_001257970.1); c.182G>A, p.Arg61Gln (NM_052819.3); short protein forms R298Q, R61Q.
Identifiers: ClinVar variation 835170 (VCV000835170.10), dbSNP rs565172081, ClinGen allele CA8816565.

ClinVar aggregate classification (germline): Conflicting classifications of pathogenicity. Review status: criteria provided, conflicting classifications (1 of 4 stars). 3 submissions from 3 submitters: Uncertain significance (2); Likely benign (1). Last evaluated 2025-12-08.

Conditions:
Pityriasis rubra pilaris (PRP). Also called: Pityriasis rubra pilaris--familial type. Identifiers: Orphanet 2897, MedGen C0032027, MONDO:0100017, OMIM 173200, MONDO:0008251.
Psoriasis 2. Identifiers: MedGen C1864497, MONDO:0011269, OMIM 602723.

Allele frequency attached by ClinVar (database versions not stated): TOPMed 0.00006.
gnomAD v4.1: 227 of 1,584,230 alleles (0.014%); highest among the groups gnomAD compares: Non-Finnish European, 0.019%; no homozygotes.

Submissions (3):

Labcorp Genetics (formerly Invitae), Labcorp
Classification: Uncertain significance for Pityriasis rubra pilaris; Psoriasis 2. Last evaluated: 2025-12-08. Review status: criteria provided, single submitter. Criteria: Invitae Variant Classification Sherloc (09022015). Collection method: clinical testing. Allele origin: germline.
Comment: This sequence change replaces arginine, which is basic and polar, with glutamine, which is neutral and polar, at codon 298 of the CARD14 protein (p.Arg298Gln). This variant is present in population databases (rs565172081, gnomAD 0.009%). This variant has not been reported in the literature in individuals affected with CARD14-related conditions. ClinVar contains an entry for this variant (Variation ID: 835170). Invitae Evidence Modeling of protein sequence and biophysical properties (such as structural, functional, and spatial information, amino acid conservation, physicochemical variation, residue mobility, and thermodynamic stability) indicates that this missense variant is not expected to disrupt CARD14 protein function with a negative predictive value of 95%. In summary, the available evidence is currently insufficient to determine the role of this variant in disease. Therefore, it has been classified as a Variant of Uncertain Significance.

Blueprint Genetics
Classification: Likely benign. Last evaluated: 2023-05-24. Review status: criteria provided, single submitter. Criteria: ACMG Guidelines, 2015. Collection method: clinical testing. Allele origin: germline.

Mayo Clinic Laboratories, Mayo Clinic
Classification: Uncertain significance. Last evaluated: 2022-09-30. Review status: criteria provided, single submitter. Criteria: ACMG Guidelines, 2015. Collection method: clinical testing. Allele origin: germline. Observed: 1 variant allele.
Comment: BP4